The following is an entry in ClinVar:

ClinVar aggregate classification (germline): Conflicting classifications of pathogenicity. Review status: criteria provided, conflicting classifications (1 of 4 stars). 4 submissions from 4 submitters: Uncertain significance (3); Likely benign (1). Last evaluated 2025-12-18.

Conditions:
Neuropathy, hereditary sensory, type 2C. Also called: Hereditary sensory and autonomic neuropathy type IIC; KIF1A-Related HSAN2 (HSAN2C). Identifiers: Orphanet 970, MedGen C3280168, MONDO:0013634, OMIM 614213.
Intellectual disability, autosomal dominant 9 (NESCAVS). Also called: KIF1A-Related Neurodevelopmental Disorder; NESCAV SYNDROME. Identifiers: Orphanet 662367, MedGen C5393830, MONDO:0013656, OMIM 614255.
Hereditary spastic paraplegia 30. Identifiers: Orphanet 101010, MedGen C5235139, MONDO:0012476.
Hereditary spastic paraplegia. Also called: Familial spastic paraparesis. Identifiers: Orphanet 685, MedGen C0037773, MONDO:0019064. Disease mechanism: loss of function.
KIF1A-related disorder. Also called: KIF1A-related disorders; KIF1A-related condition.

Allele frequency attached by ClinVar (database versions not stated): gnomAD exomes 0.00001; ExAC 0.00002.
gnomAD v4.1: 19 of 1,611,624 alleles (0.0012%); highest among the groups gnomAD compares: African/African-American, 0.013%; no homozygotes.

Submissions (4):

Labcorp Genetics (formerly Invitae), Labcorp
Classification: Likely benign for Hereditary spastic paraplegia 30; Neuropathy, hereditary sensory, type 2C; Intellectual disability, autosomal dominant 9. Last evaluated: 2025-12-18. Review status: criteria provided, single submitter. Criteria: Invitae Variant Classification Sherloc (09022015). Collection method: clinical testing. Allele origin: germline.

PreventionGenetics, part of Exact Sciences
Classification: Uncertain significance for KIF1A-related condition. Last evaluated: 2025-05-28. Review status: criteria provided, single submitter. Criteria: ACMG Guidelines, 2015. Collection method: clinical testing. Allele origin: germline.
Comment: The KIF1A c.4954C>T variant is predicted to result in the amino acid substitution p.Arg1652Trp. To our knowledge, this variant has not been reported in the literature. This variant is reported in 0.010% of alleles in individuals of East Asian descent in gnomAD. At this time, the clinical significance of this variant is uncertain due to the absence of conclusive functional and genetic evidence.

GeneDx
Classification: Uncertain significance. Last evaluated: 2020-10-16. Review status: criteria provided, single submitter. Criteria: GeneDx Variant Classification Process June 2021. Collection method: clinical testing. Allele origin: germline. Affected: yes.
Comment: In silico analysis supports that this missense variant has a deleterious effect on protein structure/function; Has not been previously published as pathogenic or benign to our knowledge; This amino acid substitution does not occur within the predicted motor domain of the protein, where most pathogenic missense variants in KIF1A have been identified (Lee et al., 2015)

Genome Diagnostics Laboratory, The Hospital for Sick Children
Classification: Uncertain significance for Hereditary spastic paraplegia. Last evaluated: 2018-02-01. Review status: criteria provided, single submitter. Criteria: ACMG Guidelines, 2015. Collection method: clinical testing. Allele origin: germline. Affected: yes.

NM_001244008.2(KIF1A):c.4954C>T (p.Arg1652Trp)

Gene: KIF1A (kinesin family member 1A; minus strand). Cytogenetic location: 2q37.3.
Variant type: single nucleotide variant.
Coding change: c.4954C>T on transcript NM_001244008.2 (MANE Select); coding-DNA position 4954, C replaced by T.
Protein change: p.Arg1652Trp; replaces arginine 1652 with tryptophan.
Molecular consequence: missense variant.
Genome position (GRCh38, 1-based): chr2:240,719,841, G>A on the plus strand (C>T on the coding strand, the complement: KIF1A is on the minus strand). VCF-style: chr2-240719841-G-A. GRCh37 (hg19) VCF-style: chr2-241659258-G-A.
Other names: c.4954C>T (NM_001244008.1); c.4678C>T, p.Arg1560Trp (NM_001320705.2, NM_001379649.1); c.4705C>T, p.Arg1569Trp (NM_001330289.2); c.4648C>T, p.Arg1550Trp (NM_001379640.1); c.4651C>T, p.Arg1551Trp (NM_001379641.1, NM_001379650.1, NM_001379651.1 and 2 more transcripts); c.4954C>T, p.Arg1652Trp (NM_001379642.1); c.4927C>T, p.Arg1643Trp (NM_001379645.1, NM_001379633.1); c.4777C>T, p.Arg1593Trp (NM_001379646.1, NM_001379635.1); and 8 more; short protein forms R1550W, R1551W, R1559W, R1560W, R1568W, R1569W, R1576W, R1585W.
Identifiers: ClinVar variation 1194003 (VCV001194003.12), dbSNP rs746442427, ClinGen allele CA2207240.